The following is an entry in ClinVar:

ClinVar aggregate classification (germline): Uncertain significance. Review status: criteria provided, multiple submitters, no conflicts (2 of 4 stars). 4 submissions from 4 submitters: Uncertain significance (4). Last evaluated 2025-10-08.

Conditions:
WBP2-related disorder. Also called: WBP2-related condition.

Allele frequency attached by ClinVar (database versions not stated): gnomAD exomes 0.00002; TOPMed 0.00011; gnomAD 0.00015; ESP Exome Variant Server 0.00016.
gnomAD v4.1: 45 of 1,558,196 alleles (0.0029%); highest among the groups gnomAD compares: African/African-American, 0.059%; no homozygotes.

Submissions (4):

Labcorp Genetics (formerly Invitae), Labcorp
Classification: Uncertain significance. Last evaluated: 2025-10-08. Review status: criteria provided, single submitter. Criteria: Invitae Variant Classification Sherloc (09022015). Collection method: clinical testing. Allele origin: germline.
Comment: This sequence change replaces proline, which is neutral and non-polar, with glutamine, which is neutral and polar, at codon 173 of the WBP2 protein (p.Pro173Gln). This variant is present in population databases (rs373335592, gnomAD 0.05%). This variant has not been reported in the literature in individuals affected with WBP2-related conditions. ClinVar contains an entry for this variant (Variation ID: 2397200). Invitae Evidence Modeling of protein sequence and biophysical properties (such as structural, functional, and spatial information, amino acid conservation, physicochemical variation, residue mobility, and thermodynamic stability) indicates that this missense variant is not expected to disrupt WBP2 protein function with a negative predictive value of 80%. In summary, the available evidence is currently insufficient to determine the role of this variant in disease. Therefore, it has been classified as a Variant of Uncertain Significance.

PreventionGenetics, part of Exact Sciences
Classification: Uncertain significance for WBP2-related condition. Last evaluated: 2025-02-10. Review status: criteria provided, single submitter. Criteria: ACMG Guidelines, 2015. Collection method: clinical testing. Allele origin: germline.
Comment: The WBP2 c.518C>A variant is predicted to result in the amino acid substitution p.Pro173Gln. To our knowledge, this variant has not been reported in the literature. This variant is reported in 0.049% of alleles in individuals of African descent in gnomAD. At this time, the clinical significance of this variant is uncertain due to the absence of conclusive functional and genetic evidence.

Blueprint Genetics
Classification: Uncertain significance. Last evaluated: 2024-04-24. Review status: criteria provided, single submitter. Criteria: ACMG Guidelines, 2015. Collection method: clinical testing. Allele origin: germline.

Ambry Genetics
Classification: Uncertain significance. Last evaluated: 2022-01-05. Review status: criteria provided, single submitter. Criteria: Ambry Variant Classification Scheme 2023. Collection method: clinical testing. Allele origin: germline.

NM_012478.4(WBP2):c.518C>A (p.Pro173Gln)

Gene: WBP2 (WW domain binding protein 2; minus strand). Cytogenetic location: 17q25.1.
Variant type: single nucleotide variant.
Coding change: c.518C>A on transcript NM_012478.4 (MANE Select); coding-DNA position 518, C replaced by A.
Protein change: p.Pro173Gln; replaces proline 173 with glutamine.
Molecular consequence: missense variant. On other transcripts: intron variant (1).
Genome position (GRCh38, 1-based): chr17:75,847,810, G>T on the plus strand (C>A on the coding strand, the complement: WBP2 is on the minus strand). VCF-style: chr17-75847810-G-T. GRCh37 (hg19) VCF-style: chr17-73843891-G-T.
Other names: c.518C>A, p.Pro173Gln (NM_001348170.1); c.398-201C>A (NM_001330499.2); short protein forms P173Q.
Identifiers: ClinVar variation 2397200 (VCV002397200.7), dbSNP rs373335592, ClinGen allele CA8773898.